The following is an entry in ClinVar:

NM_001098.3(ACO2):c.1138+3G>A

Gene: ACO2 (aconitase 2; plus strand). Cytogenetic location: 22q13.2.
Variant type: single nucleotide variant.
Coding change: c.1138+3G>A on transcript NM_001098.3 (MANE Select); 3 bases into the intron after coding-DNA position 1138, G replaced by A.
Molecular consequence: intron variant.
Genome position (GRCh38, 1-based): chr22:41,520,279, G>A. VCF-style: chr22-41520279-G-A. GRCh37 (hg19) VCF-style: chr22-41916283-G-A.
Identifiers: ClinVar variation 3614275 (VCV003614275.2).

ClinVar aggregate classification (germline): Uncertain significance (1 of 4 stars; one submission).

gnomAD v4.1: 74 of 1,612,518 alleles (0.0046%); highest among the groups gnomAD compares: Non-Finnish European, 0.0059%; no homozygotes.

Submission:

Labcorp Genetics (formerly Invitae), Labcorp
Classification: Uncertain significance. Last evaluated: 2024-04-03. Review status: criteria provided, single submitter. Criteria: Invitae Variant Classification Sherloc (09022015). Collection method: clinical testing. Allele origin: germline.
Comment: This sequence change falls in intron 9 of the ACO2 gene. It does not directly change the encoded amino acid sequence of the ACO2 protein. It affects a nucleotide within the consensus splice site. This variant is present in population databases (rs772876028, gnomAD 0.003%). This variant has not been reported in the literature in individuals affected with ACO2-related conditions. Variants that disrupt the consensus splice site are a relatively common cause of aberrant splicing (PMID: 17576681, 9536098). Algorithms developed to predict the effect of sequence changes on RNA splicing suggest that this variant is not likely to affect RNA splicing. In summary, the available evidence is currently insufficient to determine the role of this variant in disease. Therefore, it has been classified as a Variant of Uncertain Significance.

Literature cited by the submitters: PubMed 17576681; PubMed 9536098.